The following is an entry in ClinVar:

NM_014225.6(PPP2R1A):c.933A>C (p.Glu311Asp)

Gene: PPP2R1A (protein phosphatase 2 scaffold subunit Aalpha; plus strand). Cytogenetic location: 19q13.41.
Variant type: single nucleotide variant.
Coding change: c.933A>C on transcript NM_014225.6 (MANE Select); coding-DNA position 933, A replaced by C.
Protein change: p.Glu311Asp; replaces glutamic acid 311 with aspartic acid.
Molecular consequence: missense variant. On other transcripts: non-coding transcript variant (1).
Genome position (GRCh38, 1-based): chr19:52,216,014, A>C. VCF-style: chr19-52216014-A-C. GRCh37 (hg19) VCF-style: chr19-52719267-A-C.
Other names: c.396A>C, p.Glu132Asp (NM_001363656.2); short protein forms E132D, E311D.
Identifiers: ClinVar variation 4746091 (VCV004746091.1).
Genomic context (GRCh38, chr19:52,216,014, plus strand): 5'-ACTAGCACATCAGGTCTCACTTCCCTTTGCCTCCCTCTCCCTGCCCACAGAGTTCTGTGA[A>C]AACCTCTCAGCTGACTGTCGGGAGAATGTGATCATGTCCCAGATCTTGCCCTGCATCAAG-3'
Protein context (NP_055040.2, residues 301-321): AASHKVKEFC[Glu311Asp]NLSADCRENV

ClinVar aggregate classification (germline): Uncertain significance (1 of 4 stars; one submission).

Submission:

Labcorp Genetics (formerly Invitae), Labcorp
Classification: Uncertain significance. Last evaluated: 2025-10-12. Review status: criteria provided, single submitter. Criteria: Invitae Variant Classification Sherloc (09022015). Collection method: clinical testing. Allele origin: germline.
Comment: This sequence change replaces glutamic acid, which is acidic and polar, with aspartic acid, which is acidic and polar, at codon 311 of the PPP2R1A protein (p.Glu311Asp). This variant is not present in population databases (gnomAD no frequency). This variant has not been reported in the literature in individuals affected with PPP2R1A-related conditions. Invitae Evidence Modeling of protein sequence and biophysical properties (such as structural, functional, and spatial information, amino acid conservation, physicochemical variation, residue mobility, and thermodynamic stability) indicates that this missense variant is not expected to disrupt PPP2R1A protein function with a negative predictive value of 80%. In summary, the available evidence is currently insufficient to determine the role of this variant in disease. Therefore, it has been classified as a Variant of Uncertain Significance.